The following is an entry in ClinVar:

ClinVar aggregate classification (germline): Uncertain significance (1 of 4 stars; one submission).

Conditions:
Immunodeficiency 37 (IMD37). Identifiers: MedGen C4015195, MONDO:0014491, OMIM 616098.

Submission:

Labcorp Genetics (formerly Invitae), Labcorp
Classification: Uncertain significance for Immunodeficiency 37. Last evaluated: 2025-08-07. Review status: criteria provided, single submitter. Criteria: Invitae Variant Classification Sherloc (09022015). Collection method: clinical testing. Allele origin: germline.
Comment: This sequence change replaces leucine, which is neutral and non-polar, with phenylalanine, which is neutral and non-polar, at codon 21 of the BCL10 protein (p.Leu21Phe). This variant is not present in population databases (gnomAD no frequency). This variant has not been reported in the literature in individuals affected with BCL10-related conditions. An algorithm developed to predict the effect of missense changes on protein structure and function (PolyPhen-2) suggests that this variant is likely to be disruptive. In summary, the available evidence is currently insufficient to determine the role of this variant in disease. Therefore, it has been classified as a Variant of Uncertain Significance.

NM_003921.5(BCL10):c.63A>C (p.Leu21Phe)

Gene: BCL10 (BCL10 immune signaling adaptor; minus strand). Cytogenetic location: 1p22.3.
Variant type: single nucleotide variant.
Coding change: c.63A>C on transcript NM_003921.5 (MANE Select); coding-DNA position 63, A replaced by C.
Protein change: p.Leu21Phe; replaces leucine 21 with phenylalanine.
Molecular consequence: missense variant.
Genome position (GRCh38, 1-based): chr1:85,270,901, T>G on the plus strand (A>C on the coding strand, the complement: BCL10 is on the minus strand). VCF-style: chr1-85270901-T-G. GRCh37 (hg19) VCF-style: chr1-85736584-T-G.
Other names: c.63A>C, p.Leu21Phe (NM_001320715.2); short protein forms L21F.
Identifiers: ClinVar variation 4743221 (VCV004743221.1).